The following is an entry in ClinVar:

NM_000363.5(TNNI3):c.575G>A (p.Arg192His)

Gene: TNNI3 (troponin I3, cardiac type; minus strand). Cytogenetic location: 19q13.42.
Variant type: single nucleotide variant.
Coding change: c.575G>A on transcript NM_000363.5 (MANE Select); coding-DNA position 575, G replaced by A.
Protein change: p.Arg192His; replaces arginine 192 with histidine.
Molecular consequence: missense variant.
Genome position (GRCh38, 1-based): chr19:55,151,892, C>T on the plus strand (G>A on the coding strand, the complement: TNNI3 is on the minus strand). VCF-style: chr19-55151892-C-T. GRCh37 (hg19) VCF-style: chr19-55663260-C-T.
Other names: p.R192H:CGC>CAC; short protein forms R192H.
Identifiers: ClinVar variation 12424 (VCV000012424.31), dbSNP rs104894729, ClinGen allele CA021957.

ClinVar aggregate classification (germline): Pathogenic. Review status: reviewed by expert panel (3 of 4 stars). 15 submissions from 14 submitters: Pathogenic (1). 14 of the submissions do not count toward it. Last evaluated 2025-11-13.

Conditions:
TNNI3-related disorder. Also called: TNNI3-related disorders; TNNI3-related condition.
Restrictive cardiomyopathy. Identifiers: Orphanet 217632, MedGen C0007196, MeSH D002313, MONDO:0005201, HP:0001723.
Hypertrophic cardiomyopathy. Also called: HYPERTROPHIC MYOCARDIOPATHY. Identifiers: Orphanet 217569, MedGen C0007194, MeSH D002312, MONDO:0005045, HP:0001639.
Cardiovascular phenotype. Identifiers: MedGen CN230736.
SUDDEN INFANT DEATH SYNDROME (SIDS). Also called: Sudden Infant Death. Identifiers: MedGen C0038644, MeSH D013398, OMIM 272120.
Dilated cardiomyopathy 2A (CMD2A). Also called: CARDIOMYOPATHY, CONGESTIVE, AUTOSOMAL RECESSIVE; CARDIOMYOPATHY, DILATED, AUTOSOMAL RECESSIVE. Identifiers: Orphanet 154, MedGen C2678474, MONDO:0012746, OMIM 611880.
Cardiomyopathy, familial restrictive, 1. Identifiers: Orphanet 75249, MedGen C1861861, MONDO:0007270, OMIM 115210.

Allele frequency attached by ClinVar (database versions not stated): gnomAD exomes below 0.00001.
gnomAD v4.1: 1 of 1,614,116 alleles (0.000062%); highest among the groups gnomAD compares: Non-Finnish European, 0.000085%; no homozygotes.

Submissions 1 to 6 of 15:

ClinGen Cardiomyopathy Variant Curation Expert Panel
Classification: Pathogenic for Hypertrophic cardiomyopathy. Last evaluated: 2025-11-13. Review status: reviewed by expert panel. Criteria: ClinGen CMP ACMG Specifications TNNI3 V1.0.0. Collection method: curation. Allele origin: germline. Inheritance: Autosomal dominant inheritance.
Comment: NM_000363.5(TNNI3):c.575G>A (p.Arg192His) - This variant has been reported predominantly in individuals with HCM and RCM (LMM data, PMIDs: 12531876, 19449150, 20617149, 24474965, 25611685, 26741492, 27532257, 29176140, 30279906) and is statistically increased in individuals with cardiomyopathy compared to controls [OR lower 95% CI >5]. Therefore, the PS4_Supporting criterion has been applied. This variant is absent from gnomAD v2.1.1 (PM2_Supporting). This variant has been confirmed as de novo in multiple occurrences (PS2; PMID: 12531876, 24474965, 26741492, 30279906). This variant lies in a region of the protein where variants are statistically more likely to be disease-associated (PM1; PMID: 30696458). Functional studies have been reported and are sufficient to apply PS3_Moderate (PMID: 20161772, 17027633, 18408133, 22675533, 19289050, 28239629, 15961398, 16531415). Another variant involving this codon (p.Arg193Cys) has been identified in individuals with HCM and is classified as likely pathogenic by this VCEP; however, PM5 cannot be applied in combination with PM1. Computational prediction tools suggest that this variant may impact the protein (REVEL score >0.7; PP3). Therefore, this variant meets criteria to be classified as Pathogenic based on PS4_Supporting, PM2_Supporting, PS2, PM1, PS3_Moderate, and PP3.

Labcorp Genetics (formerly Invitae), Labcorp
Classification: Pathogenic for Hypertrophic cardiomyopathy. Last evaluated: 2026-01-10. Review status: criteria provided, single submitter. Criteria: Invitae Variant Classification Sherloc (09022015). Collection method: clinical testing. Allele origin: germline. Not counted in ClinVar's aggregate classification.
Comment: This sequence change replaces arginine, which is basic and polar, with histidine, which is basic and polar, at codon 192 of the TNNI3 protein (p.Arg192His). This variant is not present in population databases (gnomAD no frequency). This missense change has been observed in individual(s) with hypertrophic cardiomyopathy and restrictive cardiomyopathy (PMID: 12531876, 25611685). In at least one individual the variant was observed to be de novo. ClinVar contains an entry for this variant (Variation ID: 12424). An algorithm developed to predict the effect of missense changes on protein structure and function (PolyPhen-2) suggests that this variant is likely to be disruptive. Experimental studies have shown that this missense change affects TNNI3 function (PMID: 16531415, 17027633, 17463320, 18408133, 18423659, 19289050, 20161772, 22675533). For these reasons, this variant has been classified as Pathogenic.

Dasa
Classification: Pathogenic. Last evaluated: 2025-06-12. Review status: criteria provided, single submitter. Criteria: DASA Assertion Criteria. Collection method: clinical testing. Allele origin: germline. Not counted in ClinVar's aggregate classification.
Comment: NM_000363.5(TNNI3):c.575G>A (p.Arg192His) is a missense variant that results in the substitution of arginine with histidine. The affected residue or protein region has prior evidence supporting clinical relevance. De novo occurrence has been reported in an individual with related phenotype. Segregation evidence has been reported in affected families. Functional evidence supports a deleterious effect on the gene or gene product (PMID: 12531876; PMID: 25611685; PMID: 19449150; PMID: 16531415; PMID: 17027633). This variant has been recurrently observed in individuals with related phenotype (PMID: 12531876; PMID: 25611685; PMID: 19449150; PMID: 16531415; PMID: 17027633). Multiple computational predictions support a deleterious effect on the gene or gene product. The variant is present at low frequency in population datasets. Based on the available data, this variant is classified as pathogenic.

ARUP Laboratories, Molecular Genetics and Genomics, ARUP Laboratories
Classification: Pathogenic. Last evaluated: 2025-04-28. Review status: criteria provided, single submitter. Criteria: ARUP Molecular Germline Variant Investigation Process 2024. Collection method: clinical testing. Allele origin: germline. Not counted in ClinVar's aggregate classification.
Comment: The TNNI3 c.575G>A; p.Arg192His variant (rs104894729, ClinVar Variation ID 12424) is reported in the literature in multiple individuals affected with hypertrophic cardiomyopathy (HCM), restrictive cardiomyopathy (RCM) and left ventricular noncompaction (Fujino 2018, Mogensen 2003, Parrott 2020, Rai 2009). This variant is absent from the Genome Aggregation Database (v2.1.1), indicating it is not a common polymorphism. Additionally, other variants at this codon (c.574C>T, p.Arg192Cys; c.575G>T, p.Arg192Leu) have been reported in individuals with HCM and RCM (Alfares 2015, Bagnall 2022, Ueno 2021). Functional analyses of the variant protein show increased sensitivity to calcium ions, and altered rates of dissociation and association of troponin I to thin filaments (Liu 2012). Furthermore, transgenic mouse models mimic the cardiac phenotypes observed in humans (Du 2008). Computational analyses predict that this variant is deleterious (REVEL: 0.911). Based on available information, this variant is considered to be pathogenic. References: Alfares AA et al. Results of clinical genetic testing of 2,912 probands with hypertrophic cardiomyopathy: expanded panels offer limited additional sensitivity. Genet Med. 2015 Nov. PMID: 25611685. Bagnall RD et al. Genetic Basis of Childhood Cardiomyopathy. Circ Genom Precis Med. 2022 Dec. PMID: 36252119. Du J et al. Impaired relaxation is the main manifestation in transgenic mice expressing a restrictive cardiomyopathy mutation, R193H, in cardiac TnI. Am J Physiol Heart Circ Physiol. 2008 Jun. PMID: 18408133. Fujino M et al. The TNNI3 Arg192His mutation in a 13-year-old girl with left ventricular noncompaction. J Cardiol Cases. 2018 Jul. PMID: 30279906. Liu B et al. Disease-related cardiac troponins alter thin filament Ca2+ association and dissociation rates. PLoS One. 2012 PMID: 22675533. Mogensen J et al. Idiopathic restrictive cardiomyopathy is part of the clinical expression of cardiac troponin I mutations. J Clin Invest. 2003 Jan. PMID: 12531876. Parrott A et al. Investigation of de novo variation in pediatric cardiomyopathy. Am J Med Genet C Semin Med Genet. 2020 Mar. PMID: 31912959. Rai TS et al. Genetic and clinical profile of Indian patients of idiopathic restrictive cardiomyopathy with and without hypertrophy. Mol Cell Biochem. 2009 Nov. PMID: 19449150. Ueno M et al. A case report: Twin sisters with restrictive cardiomyopathy associated with rare mutations in the cardiac troponin I gene. J Cardiol Cases. 2021 Apr. PMID: 33841591.

GeneDx
Classification: Pathogenic. Last evaluated: 2025-04-09. Review status: criteria provided, single submitter. Criteria: GeneDx Variant Classification Process June 2021. Collection method: clinical testing. Allele origin: germline. Affected: yes. Not counted in ClinVar's aggregate classification.
Comment: Functional studies demonstrate that R192H increases Ca2+ sensitivity compared to wild-type and increases the binding affinity of the thin filament (PMID: 16531415, 15961398, 22675533); Not observed at significant frequency in large population cohorts (gnomAD); In silico analysis supports that this missense variant has a deleterious effect on protein structure/function; This variant is associated with the following publications: (PMID: 20617149, 19449150, 31912959, 25611685, 29907873, 16288990, 12531876, 15961398, 17463320, 18423659, 18408133, 19289050, 20161772, 21310275, 22783303, 21777381, 22675533, 23844019, 25649125, 24474965, 27532257, 31064352, 30279906, 33673806, 28193612, 35614389, 35288587, 36252119, 28166811, 37652022, 27535533, 16531415, 26582918, 29176140, 17027633)

Blueprint Genetics
Classification: Pathogenic for TNNI3-related disorders. Last evaluated: 2023-12-08. Review status: criteria provided, single submitter. Criteria: ACMG Guidelines, 2015. Collection method: clinical testing. Allele origin: germline. Affected: yes. Observed: 4 variant alleles. Not counted in ClinVar's aggregate classification.